The following is an entry in ClinVar:

NM_000548.5(TSC2):c.5087A>G (p.Asp1696Gly)

Gene: TSC2 (TSC complex subunit 2; plus strand). Cytogenetic location: 16p13.3.
Variant type: single nucleotide variant.
Coding change: c.5087A>G on transcript NM_000548.5 (MANE Select); coding-DNA position 5087, A replaced by G.
Protein change: p.Asp1696Gly; replaces aspartic acid 1696 with glycine.
Molecular consequence: missense variant. On other transcripts: non-coding transcript variant (5).
Genome position (GRCh38, 1-based): chr16:2,088,066, A>G. VCF-style: chr16-2088066-A-G. GRCh37 (hg19) VCF-style: chr16-2138067-A-G.
Other names: c.4886A>G, p.Asp1629Gly (NM_001077183.3); c.5018A>G, p.Asp1673Gly (NM_001114382.3); c.4778A>G, p.Asp1593Gly (NM_001318827.2); c.4742A>G, p.Asp1581Gly (NM_001318829.2); c.4355A>G, p.Asp1452Gly (NM_001318831.2); c.4919A>G, p.Asp1640Gly (NM_001318832.2); c.4889A>G, p.Asp1630Gly (NM_001363528.2); c.4955A>G, p.Asp1652Gly (NM_001370404.1); and 26 more; short protein forms D1472G, D1473G, D1580G, D1610G, D1625G, D1636G, D1653G, D1673G.
Identifiers: ClinVar variation 5031303 (VCV005031303.1).

ClinVar aggregate classification (germline): Uncertain significance (1 of 4 stars; one submission).

Conditions:
Hereditary cancer-predisposing syndrome. Also called: Neoplastic Syndromes, Hereditary; Tumor predisposition; Hereditary neoplastic syndrome; Hereditary Cancer Syndrome. Identifiers: Orphanet 140162, MedGen C0027672, MeSH D009386, MONDO:0015356.

gnomAD v4.1: 2 of 1,612,858 alleles (0.00012%); no homozygotes.

Submission:

Ambry Genetics
Classification: Uncertain significance for Hereditary cancer-predisposing syndrome. Last evaluated: 2026-06-26. Review status: criteria provided, single submitter. Criteria: Ambry Variant Classification Scheme 2023. Collection method: clinical testing. Allele origin: germline.
Comment: The p.D1696G variant (also known as c.5087A>G), located in coding exon 39 of the TSC2 gene, results from an A to G substitution at nucleotide position 5087. The aspartic acid at codon 1696 is replaced by glycine, an amino acid with similar properties. This amino acid position is highly conserved in available vertebrate species. In addition, this alteration is predicted to be deleterious by in silico analysis. Based on the available evidence, the clinical significance of this variant remains unclear.